The following is an entry in ClinVar:

NM_001145308.5(LRTOMT):c.655C>T (p.Arg219Ter)

Genes: ANAPC15 (anaphase promoting complex subunit 15; minus strand), LRTOMT (leucine rich transmembrane and O-methyltransferase domain containing; plus strand), TOMT (transmembrane O-methyltransferase; plus strand). Cytogenetic location: 11q13.4.
Variant type: single nucleotide variant.
Coding change: c.655C>T on transcript NM_001145308.5; coding-DNA position 655, C replaced by T.
Protein change: p.Arg219Ter; replaces arginine 219 with a stop codon.
Molecular consequence: nonsense. On other transcripts: 3 prime UTR variant (3), non-coding transcript variant (1), intron variant (7).
Genome position (GRCh38, 1-based): chr11:72,108,704, C>T. VCF-style: chr11-72108704-C-T. GRCh37 (hg19) VCF-style: chr11-71819750-C-T.
Other names: c.556C>T, p.Arg186Ter (NM_001393500.2); c.655C>T, p.Arg219Ter (NM_001145309.4); c.535C>T, p.Arg179Ter (NM_001145310.4); c.*115G>A (NM_001393443.1, NM_001393444.1, NM_001393445.1); c.64-1099G>A (NM_001393459.1); c.319-1099G>A (NM_001393430.1, NM_001393429.1, NM_001393428.1 and 3 more transcripts); short protein forms R219*, R179*, R186*.
Identifiers: ClinVar variation 1447950 (VCV001447950.10), dbSNP rs923848175, ClinGen allele CA224375602.

ClinVar aggregate classification (germline): Conflicting classifications of pathogenicity. Review status: criteria provided, conflicting classifications (1 of 4 stars). 3 submissions from 3 submitters: Pathogenic (1); Likely pathogenic (1); Uncertain significance (1). Last evaluated 2025-02-19.

Conditions:
LRTOMT-related disorders.

Allele frequency attached by ClinVar (database versions not stated): gnomAD exomes 0.00009 and 0.00002; gnomAD 0.00002; TOPMed 0.00003.
gnomAD v4.1: 34 of 1,548,236 alleles (0.0022%); highest among the groups gnomAD compares: East Asian, 0.015%; no homozygotes.

Submissions (3):

Labcorp Genetics (formerly Invitae), Labcorp
Classification: Likely pathogenic. Last evaluated: 2025-02-19. Review status: criteria provided, single submitter. Criteria: Invitae Variant Classification Sherloc (09022015). Collection method: clinical testing. Allele origin: germline.
Comment: This sequence change creates a premature translational stop signal (p.Arg219*) in the LRTOMT gene. While this is not anticipated to result in nonsense mediated decay, it is expected to disrupt the last 73 amino acid(s) of the LRTOMT protein. This variant is present in population databases (no rsID available, gnomAD 0.06%). This premature translational stop signal has been observed in individuals with hearing loss (PMID: 26166082, 26969326, 35939872). ClinVar contains an entry for this variant (Variation ID: 1447950). Experimental studies and prediction algorithms are not available or were not evaluated, and the functional significance of this variant is currently unknown. In summary, the currently available evidence indicates that the variant is pathogenic, but additional data are needed to prove that conclusively. Therefore, this variant has been classified as Likely Pathogenic.

GeneDx
Classification: Uncertain significance. Last evaluated: 2024-04-03. Review status: criteria provided, single submitter. Criteria: GeneDx Variant Classification Process June 2021. Collection method: clinical testing. Allele origin: germline. Affected: yes.
Comment: Nonsense variant predicted to result in protein truncation as the last 73 amino acids are lost, although loss-of-function variants have not been reported downstream of this position in the protein; This variant is associated with the following publications: (PMID: 26166082, 26969326, 35939872)

Blueprint Genetics
Classification: Pathogenic for LRTOMT-related disorders. Last evaluated: 2019-02-18. Review status: criteria provided, single submitter. Criteria: ACMG Guidelines, 2015. Collection method: clinical testing. Allele origin: germline. Affected: yes. Observed: 1 variant allele.

Literature cited by the submitters: PubMed 26166082 (cited by Labcorp Genetics (formerly Invitae), Labcorp); PubMed 26969326 (cited by Labcorp Genetics (formerly Invitae), Labcorp); PubMed 35939872 (cited by Labcorp Genetics (formerly Invitae), Labcorp).